The following is an entry in ClinVar:

ClinVar aggregate classification (germline): Pathogenic/Likely pathogenic. Review status: criteria provided, multiple submitters, no conflicts (2 of 4 stars). 5 submissions from 5 submitters: Pathogenic (3); Likely pathogenic (1). 1 of the submissions does not count toward it. Last evaluated 2021-04-06.

Conditions:
Allan-Herndon-Dudley syndrome (AHDS). Also called: MENTAL RETARDATION AND MUSCULAR ATROPHY; Passos-Bueno syndrome; ALLAN-HERNDON SYNDROME; T3 RESISTANCE; TRIIODOTHYRONINE RESISTANCE. Identifiers: Orphanet 59, MedGen C0795889, MONDO:0010354, OMIM 300523.

Submissions (5):

Molecular Diagnostics Lab, Nemours Children's Health, Delaware
Classification: Likely pathogenic for Allan-Herndon-Dudley syndrome. Last evaluated: 2021-04-06. Review status: criteria provided, single submitter. Criteria: ACMG Guidelines, 2015. Collection method: clinical testing. Allele origin: unknown. Inheritance: X-linked inheritance. Affected: yes. Observed: 1 hemizygote.
Comment: This missense variant (c.449C>T, p.Ala150Val) has not been observed in population databases (gnomAD), although the change is reported in the literature (PMID 12871948, PMID 27081503, PMID 16131597). Functional studies indicate a deleterious effect (PMID 16131597).

Fulgent Genetics
Classification: Pathogenic for Allan-Herndon-Dudley syndrome. Last evaluated: 2018-10-31. Review status: criteria provided, single submitter. Criteria: ACMG Guidelines, 2015. Collection method: clinical testing. Allele origin: unknown.

CeGaT Center for Human Genetics Tuebingen
Classification: Pathogenic. Last evaluated: 2018-08-01. Review status: criteria provided, single submitter. Criteria: CeGaT Center For Human Genetics Tuebingen Variant Classification Criteria Version 2. Collection method: clinical testing. Allele origin: germline. Affected: yes. Observed: 1 variant allele.

Eurofins Ntd Llc (ga)
Classification: Pathogenic. Last evaluated: 2013-04-09. Review status: criteria provided, single submitter. Criteria: EGL Classification Definitions. Collection method: clinical testing. Allele origin: germline. Observed: 1 variant allele, 1 hemizygote.

OMIM
Classification: Pathogenic for ALLAN-HERNDON-DUDLEY SYNDROME. Last evaluated: 2017-06-15. Review status: no assertion criteria provided. Collection method: literature only. Allele origin: germline. Not counted in ClinVar's aggregate classification.

Literature cited by the submitters: PubMed 12871948 (cited by Molecular Diagnostics Lab, Nemours Children's Health, Delaware and OMIM); PubMed 27081503 (cited by Molecular Diagnostics Lab, Nemours Children's Health, Delaware); PubMed 16131597 (cited by Molecular Diagnostics Lab, Nemours Children's Health, Delaware).

NM_006517.5(SLC16A2):c.449C>T (p.Ala150Val)

Gene: SLC16A2 (solute carrier family 16 member 2; plus strand). Cytogenetic location: Xq13.2.
Variant type: single nucleotide variant.
Coding change: c.449C>T on transcript NM_006517.5 (MANE Select); coding-DNA position 449, C replaced by T.
Protein change: p.Ala150Val; replaces alanine 150 with valine.
Molecular consequence: missense variant.
Genome position (GRCh38, 1-based): chrX:74,521,008, C>T. VCF-style: chrX-74521008-C-T. GRCh37 (hg19) VCF-style: chrX-73740843-C-T.
Other names: A224V; c.449C>T (NM_006517.4); short protein forms A150V.
Identifiers: ClinVar variation 11634 (VCV000011634.50), dbSNP rs104894936, ClinGen allele CA222962.